The following is an entry in ClinVar:

NM_144997.7(FLCN):c.176G>A (p.Arg59His)

Gene: FLCN (folliculin; minus strand). Cytogenetic location: 17p11.2.
Variant type: single nucleotide variant.
Coding change: c.176G>A on transcript NM_144997.7 (MANE Select); coding-DNA position 176, G replaced by A.
Protein change: p.Arg59His; replaces arginine 59 with histidine.
Molecular consequence: missense variant.
Genome position (GRCh38, 1-based): chr17:17,227,962, C>T on the plus strand (G>A on the coding strand, the complement: FLCN is on the minus strand). VCF-style: chr17-17227962-C-T. GRCh37 (hg19) VCF-style: chr17-17131276-C-T.
Other names: c.176G>A, p.Arg59His (NM_001353229.2, NM_001353230.2, NM_001353231.2 and 1 more transcripts); c.176G>A (LRG_325t1); short protein forms R59H.
Identifiers: ClinVar variation 253228 (VCV000253228.17), dbSNP rs374969279, ClinGen allele CA8416506.
Genomic context (GRCh38, chr17:17,227,962, plus strand): 5'-GACTTTTTGGGCCCCGGGCTGCTGGACTCGACGCTGGCCCCCTCTGCGGGGCTGTGCGCA[C>T]GCATCCGACTGTTCATCTGAATGCCACCTTCCTCTTCTTCCGCCTGCTCACCCTGGCCAG-3'
Protein context (NP_659434.2, residues 49-69): EGGIQMNSRM[Arg59His]AHSPAEGASV

ClinVar aggregate classification (germline): Conflicting classifications of pathogenicity. Review status: criteria provided, conflicting classifications (1 of 4 stars). 5 submissions from 5 submitters: Uncertain significance (4); Likely benign (1). Last evaluated 2025-11-26.

Conditions:
Hereditary cancer-predisposing syndrome. Also called: Neoplastic Syndromes, Hereditary; Tumor predisposition; Hereditary neoplastic syndrome; Hereditary Cancer Syndrome. Identifiers: Orphanet 140162, MedGen C0027672, MeSH D009386, MONDO:0015356.
Birt-Hogg-Dube syndrome. Also called: Birt Hogg Dubé syndrome. Identifiers: Orphanet 122, MedGen C0346010, MONDO:0800444.

Allele frequency attached by ClinVar (database versions not stated): gnomAD 0.00001; TOPMed 0.00001; ESP Exome Variant Server 0.00008; 1000 Genomes Project 30x 0.00016; 1000 Genomes Project 0.00020.
gnomAD v4.1: 14 of 1,614,174 alleles (0.00087%); highest among the groups gnomAD compares: South Asian, 0.0033%; no homozygotes.

Submissions (5):

Labcorp Genetics (formerly Invitae), Labcorp
Classification: Uncertain significance for Birt-Hogg-Dube syndrome. Last evaluated: 2025-11-26. Review status: criteria provided, single submitter. Criteria: Invitae Variant Classification Sherloc (09022015). Collection method: clinical testing. Allele origin: germline.
Comment: This sequence change replaces arginine, which is basic and polar, with histidine, which is basic and polar, at codon 59 of the FLCN protein (p.Arg59His). This variant is present in population databases (rs374969279, gnomAD 0.003%). This variant has not been reported in the literature in individuals affected with FLCN-related conditions. ClinVar contains an entry for this variant (Variation ID: 253228). Invitae Evidence Modeling of protein sequence and biophysical properties (such as structural, functional, and spatial information, amino acid conservation, physicochemical variation, residue mobility, and thermodynamic stability) indicates that this missense variant is not expected to disrupt FLCN protein function with a negative predictive value of 80%. In summary, the available evidence is currently insufficient to determine the role of this variant in disease. Therefore, it has been classified as a Variant of Uncertain Significance.

GeneDx
Classification: Uncertain significance. Last evaluated: 2025-04-23. Review status: criteria provided, single submitter. Criteria: GeneDx Variant Classification Process June 2021. Collection method: clinical testing. Allele origin: germline.
Comment: Not observed at significant frequency in large population cohorts (gnomAD); In silico analysis indicates that this missense variant does not alter protein structure/function; Has not been previously published as pathogenic or benign to our knowledge; This variant is associated with the following publications: (PMID: Darabi2024[CaseReport])

Baylor Genetics
Classification: Uncertain significance for Birt-Hogg-Dube syndrome 1. Last evaluated: 2023-10-18. Review status: criteria provided, single submitter. Criteria: ACMG Guidelines, 2015. Collection method: clinical testing. Allele origin: unknown.

Ambry Genetics
Classification: Likely benign for Hereditary cancer-predisposing syndrome. Last evaluated: 2022-10-11. Review status: criteria provided, single submitter. Criteria: Ambry Variant Classification Scheme 2023. Collection method: clinical testing. Allele origin: germline.

Genomic Diagnostic Laboratory, Division of Genomic Diagnostics, Children's Hospital of Philadelphia
Classification: Uncertain significance for Birt-Hogg-Dube Syndrome. Last evaluated: 2016-07-18. Review status: criteria provided, single submitter. Criteria: DGD Variant Analysis Guidelines. Collection method: clinical testing. Allele origin: germline. Affected: yes. Observed: 1 variant allele.
Comment: Clinical Testing